The following is an entry in ClinVar:

ClinVar aggregate classification (germline): Uncertain significance. Review status: criteria provided, multiple submitters, no conflicts (2 of 4 stars). 5 submissions from 5 submitters: Uncertain significance (4). 1 of the submissions does not count toward it. Last evaluated 2026-01-20.

Conditions:
Hereditary cancer-predisposing syndrome. Also called: Hereditary neoplastic syndrome; Hereditary Cancer Syndrome; Neoplastic Syndromes, Hereditary; Tumor predisposition. Identifiers: Orphanet 140162, MedGen C0027672, MeSH D009386, MONDO:0015356.
Bloom syndrome (BLM). Also called: Bloom-Torre-Machacek syndrome. Identifiers: Orphanet 125, MedGen C0005859, MONDO:0008876, OMIM 210900.

Allele frequency attached by ClinVar (database versions not stated): gnomAD 0.00001; gnomAD exomes 0.00001 and 0.00002; ExAC 0.00002; TOPMed 0.00002.
gnomAD v4.1: 22 of 1,613,880 alleles (0.0014%); highest among the groups gnomAD compares: Admixed American, 0.0017%; no homozygotes.

Submissions (5):

Labcorp Genetics (formerly Invitae), Labcorp
Classification: Uncertain significance for Bloom syndrome. Last evaluated: 2026-01-20. Review status: criteria provided, single submitter. Criteria: Invitae Variant Classification Sherloc (09022015). Collection method: clinical testing. Allele origin: germline.
Comment: This sequence change replaces serine, which is neutral and polar, with phenylalanine, which is neutral and non-polar, at codon 499 of the BLM protein (p.Ser499Phe). This variant is present in population databases (rs778700833, gnomAD 0.004%). This variant has not been reported in the literature in individuals affected with BLM-related conditions. ClinVar contains an entry for this variant (Variation ID: 236803). Invitae Evidence Modeling of protein sequence and biophysical properties (such as structural, functional, and spatial information, amino acid conservation, physicochemical variation, residue mobility, and thermodynamic stability) indicates that this missense variant is not expected to disrupt BLM protein function with a negative predictive value of 80%. In summary, the available evidence is currently insufficient to determine the role of this variant in disease. Therefore, it has been classified as a Variant of Uncertain Significance.

Ambry Genetics
Classification: Uncertain significance for Hereditary cancer-predisposing syndrome. Last evaluated: 2025-09-19. Review status: criteria provided, single submitter. Criteria: Ambry Variant Classification Scheme 2023. Collection method: clinical testing. Allele origin: germline.
Comment: The p.S499F variant (also known as c.1496C>T), located in coding exon 6 of the BLM gene, results from a C to T substitution at nucleotide position 1496. The serine at codon 499 is replaced by phenylalanine, an amino acid with highly dissimilar properties. This amino acid position is well conserved in available vertebrate species. In addition, this alteration is predicted to be tolerated by in silico analysis. Since supporting evidence is limited at this time, the clinical significance of this alteration remains unclear.

Quest Diagnostics Nichols Institute San Juan Capistrano
Classification: Uncertain significance. Last evaluated: 2023-08-30. Review status: criteria provided, single submitter. Criteria: Quest Diagnostics criteria. Collection method: clinical testing. Allele origin: unknown.
Comment: In the published literature, this variant has been reported in an individual with breast cancer (PMID: 37316882 (2023)). The frequency of this variant in the general population, 0.000035 (4/113040 chromosomes (Genome Aggregation Database)), is uninformative in the assessment of its pathogenicity. Analysis of this variant using bioinformatics tools for the prediction of the effect of amino acid changes on protein structure and function yielded conflicting predictions that this variant is benign or damaging. Based on the available information, we are unable to determine the clinical significance of this variant.

Institute for Clinical Genetics, University Hospital TU Dresden, University Hospital TU Dresden
Classification: Uncertain significance. Last evaluated: 2021-11-03. Review status: criteria provided, single submitter. Criteria: ACMG Guidelines, 2015. Collection method: clinical testing. Allele origin: germline.

Natera, Inc.
Classification: Uncertain significance for Bloom syndrome. Last evaluated: 2020-09-16. Review status: no assertion criteria provided. Collection method: clinical testing. Allele origin: germline. Not counted in ClinVar's aggregate classification.

Literature cited by the submitters: PubMed 37316882 (cited by Quest Diagnostics Nichols Institute San Juan Capistrano).

NM_000057.4(BLM):c.1496C>T (p.Ser499Phe)

Gene: BLM (BLM RecQ like helicase; plus strand). Cytogenetic location: 15q26.1.
Variant type: single nucleotide variant.
Coding change: c.1496C>T on transcript NM_000057.4 (MANE Select); coding-DNA position 1496, C replaced by T.
Protein change: p.Ser499Phe; replaces serine 499 with phenylalanine.
Molecular consequence: missense variant.
Genome position (GRCh38, 1-based): chr15:90,760,869, C>T. VCF-style: chr15-90760869-C-T. GRCh37 (hg19) VCF-style: chr15-91304099-C-T.
Other names: c.1496C>T, p.Ser499Phe (NM_001287246.2, NM_001287247.2); c.371C>T, p.Ser124Phe (NM_001287248.2); short protein forms S499F, S124F.
Identifiers: ClinVar variation 236803 (VCV000236803.19), dbSNP rs778700833, ClinGen allele CA7738547.